The following is an entry in ClinVar:

ClinVar aggregate classification (germline): Conflicting classifications of pathogenicity. Review status: criteria provided, conflicting classifications (1 of 4 stars). 9 submissions from 7 submitters: Uncertain significance (3); Benign (1); Likely benign (4). 1 of the submissions does not count toward it. Last evaluated 2026-03-02.

Conditions:
Dyskeratosis congenita. Identifiers: Orphanet 1775, MedGen C0265965, MONDO:0015780.
Pulmonary fibrosis and/or bone marrow failure, Telomere-related, 1. Also called: PULMONARY FIBROSIS AND/OR BONE MARROW FAILURE SYNDROME, TELOMERE-RELATED, 1. Identifiers: Orphanet 88, MedGen C3553617, MONDO:0013878, OMIM 614742.
Dyskeratosis congenita, autosomal dominant 2. Identifiers: MedGen C3151443, MONDO:0013521, OMIM 613989.
Aplastic anemia. Identifiers: Orphanet 182040, Orphanet 88, MedGen C0002874, MONDO:0015909, OMIM 609135, HP:0001915.
TERT-related disorder. Also called: TERT-related condition; TERT-related disorders.
Idiopathic Pulmonary Fibrosis. Also called: Idiopathic fibrosing alveolitis, chronic form; idiopathic fibrosing alveolitis. Identifiers: Orphanet 2032, MedGen C1800706, MeSH D054990, MONDO:0800504.

Allele frequency attached by ClinVar (database versions not stated): gnomAD 0.00046 and 0.00048; TOPMed 0.00051; 1000 Genomes Project 30x 0.00078; gnomAD exomes 0.00012; ESP Exome Variant Server 0.00031; ExAC 0.00042; 1000 Genomes Project 0.00080.
gnomAD v4.1: 171 of 1,567,898 alleles (0.011%); highest among the groups gnomAD compares: African/African-American, 0.17%; 1 homozygote.

Submissions (9):

Ambry Genetics
Classification: Likely benign for Dyskeratosis congenita. Last evaluated: 2026-03-02. Review status: criteria provided, single submitter. Criteria: Ambry Variant Classification Scheme 2023. Collection method: clinical testing. Allele origin: germline.

Labcorp Genetics (formerly Invitae), Labcorp
Classification: Likely benign for Dyskeratosis congenita, autosomal dominant 2; Idiopathic Pulmonary Fibrosis. Last evaluated: 2026-01-26. Review status: criteria provided, single submitter. Criteria: Invitae Variant Classification Sherloc (09022015). Collection method: clinical testing. Allele origin: germline.

Blueprint Genetics
Classification: Likely benign. Last evaluated: 2024-07-19. Review status: criteria provided, single submitter. Criteria: ACMG Guidelines, 2015. Collection method: clinical testing. Allele origin: germline.

GeneDx
Classification: Likely benign. Last evaluated: 2019-03-06. Review status: criteria provided, single submitter. Criteria: GeneDx Variant Classification Process June 2021. Collection method: clinical testing. Allele origin: germline. Affected: yes.

Illumina Laboratory Services, Illumina
Classification: Uncertain significance for Dyskeratosis congenita, autosomal dominant 2. Last evaluated: 2018-01-12. Review status: criteria provided, single submitter. Criteria: ICSL Variant Classification Criteria 13 December 2019. Collection method: clinical testing. Allele origin: germline.

Illumina Laboratory Services, Illumina
Classification: Uncertain significance for Aplastic anemia. Last evaluated: 2018-01-12. Review status: criteria provided, single submitter. Criteria: ICSL Variant Classification Criteria 13 December 2019. Collection method: clinical testing. Allele origin: germline.

Illumina Laboratory Services, Illumina
Classification: Benign for Pulmonary fibrosis and/or bone marrow failure, Telomere-related, 1. Last evaluated: 2018-01-12. Review status: criteria provided, single submitter. Criteria: ICSL Variant Classification Criteria 13 December 2019. Collection method: clinical testing. Allele origin: germline.
Comment: This variant was observed in the ICSL laboratory as part of a predisposition screen in an ostensibly healthy population. It had not been previously curated by ICSL or reported in the Human Gene Mutation Database (HGMD: prior to June 1st, 2018), and was therefore a candidate for classification through an automated scoring system. Utilizing variant allele frequency, disease prevalence and penetrance estimates, and inheritance mode, an automated score was calculated to assess if this variant is too frequent to cause the disease. Based on the score and internal cut-off values, a variant classified as benign is not then subjected to further curation. The score for this variant resulted in a classification of benign for this disease.

Genetic Services Laboratory, University of Chicago
Classification: Uncertain significance. Last evaluated: 2016-04-06. Review status: criteria provided, single submitter. Criteria: ACMG Guidelines, 2015. Collection method: clinical testing. Allele origin: germline. Affected: no.

PreventionGenetics, part of Exact Sciences
Classification: Likely benign for TERT-related condition. Last evaluated: 2023-12-06. Review status: no assertion criteria provided. Collection method: clinical testing. Allele origin: germline. Not counted in ClinVar's aggregate classification.
Comment: This variant is classified as likely benign based on ACMG/AMP sequence variant interpretation guidelines (Richards et al. 2015 PMID: 25741868, with internal and published modifications).

NM_198253.3(TERT):c.2130+10G>A

Gene: TERT (telomerase reverse transcriptase; minus strand). Cytogenetic location: 5p15.33.
Variant type: single nucleotide variant.
Coding change: c.2130+10G>A on transcript NM_198253.3 (MANE Select); 10 bases into the intron after coding-DNA position 2130, G replaced by A.
Molecular consequence: intron variant.
Genome position (GRCh38, 1-based): chr5:1,279,281, C>T on the plus strand (G>A on the coding strand, the complement: TERT is on the minus strand). VCF-style: chr5-1279281-C-T. GRCh37 (hg19) VCF-style: chr5-1279396-C-T.
Other names: c.2130+10G>A (NM_001193376.3).
Identifiers: ClinVar variation 416290 (VCV000416290.28), dbSNP rs373879259, ClinGen allele CA3184663.
Genomic context (GRCh38, chr5:1,279,281, plus strand): 5'-CATGAGGTGCCAATCAGGCAGCCACTCCCAAGGTCCAGCAGGGCTGCTCACGGGGGTCCC[C>T]GGCACCCACCTTGACAAAGTACAGCTCAGGCGGCGGGTCCTGGGCCCGCACACGCAGCAC-3'